The following is an entry in ClinVar:

ClinVar aggregate classification (germline): Likely benign. Review status: criteria provided, multiple submitters, no conflicts (2 of 4 stars). 2 submissions from 2 submitters: Likely benign (2). Last evaluated 2025-07-30.

Conditions:
Familial cancer of breast. Also called: BREAST CANCER, FAMILIAL; Hereditary breast cancer; hereditary breast carcinoma. Identifiers: Orphanet 227535, MedGen C0346153, MONDO:0016419, OMIM 114480. Disease mechanism: loss of function.

Submissions (2):

Labcorp Genetics (formerly Invitae), Labcorp
Classification: Likely benign for Familial cancer of breast. Last evaluated: 2025-07-30. Review status: criteria provided, single submitter. Criteria: Invitae Variant Classification Sherloc (09022015). Collection method: clinical testing. Allele origin: germline.

Myriad Genetics, Inc.
Classification: Likely benign for Familial cancer of breast. Last evaluated: 2025-01-17. Review status: criteria provided, single submitter. Criteria: Myriad Autosomal Dominant, Autosomal Recessive and X-Linked Classification Criteria (2023). Collection method: clinical testing. Allele origin: unknown.
Comment: This variant is considered likely benign. This variant is intronic and is not expected to impact mRNA splicing.

NM_024675.4(PALB2):c.2748+9del

Gene: PALB2 (partner and localizer of BRCA2; minus strand). Cytogenetic location: 16p12.2.
Variant type: Deletion.
Coding change: c.2748+9del on transcript NM_024675.4 (MANE Select); 9 bases into the intron after coding-DNA position 2748, one base deleted (G; older notation c.2748+9delG).
Molecular consequence: intron variant.
Genome position (GRCh38, 1-based): chr16:23,626,227, C deleted on the plus strand (G on the coding strand, the reverse complement: PALB2 is on the minus strand); the first of 3 consecutive C bases (chr16:23,626,227-23,626,229); deleting any one gives the same sequence. VCF-style (leftmost placement, unchanged base first): chr16-23626226-TC-T. GRCh37 (hg19) VCF-style: chr16-23637547-TC-T.
Other names: c.2748+9delG (NM_024675.3).
Identifiers: ClinVar variation 215933 (VCV000215933.13), dbSNP rs863224430, ClinGen allele CA338174.